The following is an entry in ClinVar:

NC_000008.10:g.(?_101190024)_(101253250_?)del

Gene: SPAG1 (sperm associated antigen 1; plus strand). Cytogenetic location: 8q22.2.
Variant type: Deletion.
Identifiers: ClinVar variation 2427489 (VCV002427489.4).

ClinVar aggregate classification (germline): Uncertain significance (1 of 4 stars; one submission).

Conditions:
Primary ciliary dyskinesia 28. Also called: CILIARY DYSKINESIA, PRIMARY, 28, WITH OR WITHOUT SITUS INVERSUS. Identifiers: Orphanet 244, MedGen C3809706, MONDO:0014216, OMIM 615505.

Submission:

Labcorp Genetics (formerly Invitae), Labcorp
Classification: Uncertain significance for Primary ciliary dyskinesia 28. Last evaluated: 2021-11-10. Review status: criteria provided, single submitter. Criteria: Invitae Variant Classification Sherloc (09022015). Collection method: clinical testing. Allele origin: germline.
Comment: In summary, the available evidence is currently insufficient to determine the role of this variant in disease. Therefore, it has been classified as a Variant of Uncertain Significance. Experimental studies and prediction algorithms are not available or were not evaluated, and the functional significance of this variant is currently unknown. This variant has not been reported in the literature in individuals affected with SPAG1-related conditions. This variant is a gross deletion of the genomic region encompassing exon(s) 4-19 of the SPAG1 gene, which includes the termination codon. This deletion extends beyond the assayed region for this gene and therefore may encompass additional genes. While this deletion is not anticipated to lead to nonsense mediated decay, it is expected to alter mRNA translation or result in a truncated protein product.